The following is an entry in ClinVar:

NM_000038.6(APC):c.1556T>C (p.Leu519Pro)

Gene: APC (APC regulator of Wnt signaling pathway; plus strand). Cytogenetic location: 5q22.2.
Variant type: single nucleotide variant.
Coding change: c.1556T>C on transcript NM_000038.6 (MANE Select); coding-DNA position 1556, T replaced by C.
Protein change: p.Leu519Pro; replaces leucine 519 with proline.
Molecular consequence: missense variant.
Genome position (GRCh38, 1-based): chr5:112,827,936, T>C. VCF-style: chr5-112827936-T-C. GRCh37 (hg19) VCF-style: chr5-112163633-T-C.
Other names: c.707T>C, p.Leu236Pro (NM_001354906.2); c.1556T>C, p.Leu519Pro (NM_001127510.3, NM_001354895.2); c.1502T>C, p.Leu501Pro (NM_001127511.3); c.1610T>C, p.Leu537Pro (NM_001354896.2); c.1586T>C, p.Leu529Pro (NM_001354897.2); c.1481T>C, p.Leu494Pro (NM_001354898.2); c.1472T>C, p.Leu491Pro (NM_001354899.2); c.1433T>C, p.Leu478Pro (NM_001354900.2); and 5 more; short protein forms L359P, L393P, L428P, L519P, L236P, L478P, L491P, L501P.
Identifiers: ClinVar variation 819500 (VCV000819500.4), dbSNP rs1580568787, ClinGen allele CA16024705.

ClinVar aggregate classification (germline): Uncertain significance (1 of 4 stars; one submission).

Conditions:
Hereditary cancer-predisposing syndrome. Also called: Neoplastic Syndromes, Hereditary; Tumor predisposition; Hereditary Cancer Syndrome; Hereditary neoplastic syndrome. Identifiers: Orphanet 140162, MedGen C0027672, MeSH D009386, MONDO:0015356.

Submission:

Ambry Genetics
Classification: Uncertain significance for Hereditary cancer-predisposing syndrome. Last evaluated: 2019-02-19. Review status: criteria provided, single submitter. Criteria: Ambry Variant Classification Scheme 2023. Collection method: clinical testing. Allele origin: germline.
Comment: The p.L519P variant (also known as c.1556T>C), located in coding exon 12 of the APC gene, results from a T to C substitution at nucleotide position 1556. The leucine at codon 519 is replaced by proline, an amino acid with similar properties. This amino acid position is highly conserved in available vertebrate species. In addition, in silico predictors for this gene do not accurately predict pathogenicity. Since supporting evidence is limited at this time, the clinical significance of this alteration remains unclear.